The following is an entry in ClinVar:

NM_000051.4(ATM):c.2925T>C (p.Asn975=)

Gene: ATM (ATM serine/threonine kinase; plus strand). Cytogenetic location: 11q22.3.
Variant type: single nucleotide variant.
Coding change: c.2925T>C on transcript NM_000051.4 (MANE Select); coding-DNA position 2925, T replaced by C.
Protein change: p.Asn975=; no amino-acid change (asparagine 975 retained).
Molecular consequence: synonymous variant.
Genome position (GRCh38, 1-based): chr11:108,271,254, T>C. VCF-style: chr11-108271254-T-C. GRCh37 (hg19) VCF-style: chr11-108141981-T-C.
Other names: c.2925T>C, p.Asn975= (NM_001351834.2).
Identifiers: ClinVar variation 236695 (VCV000236695.19), dbSNP rs765848319, ClinGen allele CA6265160.

ClinVar aggregate classification (germline): Conflicting classifications of pathogenicity. Review status: criteria provided, conflicting classifications (1 of 4 stars). 5 submissions from 5 submitters: Uncertain significance (2); Benign (1); Likely benign (2). Last evaluated 2025-11-17.

Conditions:
Familial cancer of breast. Also called: Hereditary breast cancer; BREAST CANCER, FAMILIAL; hereditary breast carcinoma. Identifiers: Orphanet 227535, MedGen C0346153, MONDO:0016419, OMIM 114480. Disease mechanism: loss of function.
ATM-related cancer predisposition. Also called: ATM-related cancer susceptibility. Identifiers: MedGen CN377759, MONDO:0700270.
Hereditary cancer-predisposing syndrome. Also called: Hereditary neoplastic syndrome; Neoplastic Syndromes, Hereditary; Hereditary Cancer Syndrome; Tumor predisposition. Identifiers: Orphanet 140162, MedGen C0027672, MeSH D009386, MONDO:0015356.
Ataxia-telangiectasia syndrome (AT). Also called: Ataxia telangiectasia (A-T); Cerebello-oculocutaneous telangiectasia; Immunodeficiency with ataxia telangiectasia; Ataxia-telangiectasia; Ataxia-telangiectasia, complementation group D; AT, COMPLEMENTATION GROUP C. Identifiers: Orphanet 100, MedGen C0004135, MONDO:0008840, OMIM 208900.

Allele frequency attached by ClinVar (database versions not stated): ExAC 0.00001; gnomAD exomes below 0.00001.
gnomAD v4.1: 1 of 1,613,396 alleles (0.000062%); highest among the groups gnomAD compares: South Asian, 0.0011%; no homozygotes.

Submissions (5):

Labcorp Genetics (formerly Invitae), Labcorp
Classification: Likely benign for Ataxia-telangiectasia syndrome. Last evaluated: 2025-11-17. Review status: criteria provided, single submitter. Criteria: Invitae Variant Classification Sherloc (09022015). Collection method: clinical testing. Allele origin: germline.

Department of Pathology and Laboratory Medicine, Sinai Health System
Classification: Uncertain significance for ATM-related cancer predisposition. Last evaluated: 2024-06-05. Review status: criteria provided, single submitter. Criteria: ACMG Guidelines, 2015. Collection method: clinical testing. Allele origin: germline. Affected: no.

Myriad Genetics, Inc.
Classification: Benign for Familial cancer of breast. Last evaluated: 2024-05-10. Review status: criteria provided, single submitter. Criteria: Myriad Autosomal Dominant, Autosomal Recessive and X-Linked Classification Criteria (2023). Collection method: clinical testing. Allele origin: unknown.
Comment: This variant is considered benign. This variant is a silent/synonymous amino acid change and it is not expected to impact splicing.

Color Diagnostics, LLC DBA Color Health
Classification: Uncertain significance for Hereditary cancer-predisposing syndrome. Last evaluated: 2023-06-26. Review status: criteria provided, single submitter. Criteria: ACMG Guidelines, 2015. Collection method: clinical testing. Allele origin: germline.
Comment: This variant is located in the ATM protein. To our knowledge, functional studies have not been reported for this variant. This variant has not been reported in individuals affected with ATM-related disorders in the literature. This variant has been identified in 1/251176 chromosomes in the general population by the Genome Aggregation Database (gnomAD). The available evidence is insufficient to determine the role of this variant in disease conclusively. Therefore, this variant is classified as a Variant of Uncertain Significance.

Ambry Genetics
Classification: Likely benign for Hereditary cancer-predisposing syndrome. Last evaluated: 2016-01-22. Review status: criteria provided, single submitter. Criteria: Ambry Variant Classification Scheme 2023. Collection method: clinical testing. Allele origin: germline.